The following is an entry in ClinVar:

NM_004820.5(CYP7B1):c.-10C>T

Genes: CYP7B1 (cytochrome P450 family 7 subfamily B member 1; minus strand), LOC130000507 (ATAC-STARR-seq lymphoblastoid silent region 19243; plus strand). Cytogenetic location: 8q12.3.
Variant type: single nucleotide variant.
Coding change: c.-10C>T on transcript NM_004820.5 (MANE Select); 10 bases upstream of the start codon, C replaced by T.
Molecular consequence: 5 prime UTR variant.
Genome position (GRCh38, 1-based): chr8:64,798,597, G>A on the plus strand (C>T on the coding strand, the complement: CYP7B1 is on the minus strand). VCF-style: chr8-64798597-G-A. GRCh37 (hg19) VCF-style: chr8-65711154-G-A.
Other names: c.-10C>T (NM_001324112.2).
Identifiers: ClinVar variation 4683347 (VCV004683347.1).

ClinVar aggregate classification (germline): Likely benign (1 of 4 stars; one submission).

gnomAD v4.1: 9 of 1,457,678 alleles (0.00062%); highest among the groups gnomAD compares: Admixed American, 0.0078%; no homozygotes.

Submission:

Mayo Clinic Laboratories, Mayo Clinic
Classification: Likely benign. Last evaluated: 2025-09-16. Review status: criteria provided, single submitter. Criteria: ACMG Guidelines, 2015. Collection method: clinical testing. Allele origin: germline. Observed: 1 variant allele.
Comment: BP4, BP7